The following is an entry in ClinVar:

ClinVar aggregate classification (germline): Uncertain significance. Review status: criteria provided, multiple submitters, no conflicts (2 of 4 stars). 2 submissions from 2 submitters: Uncertain significance (2). Last evaluated 2025-08-20.

Conditions:
Inborn genetic diseases. Identifiers: MedGen C0950123, MeSH D030342.

Allele frequency attached by ClinVar (database versions not stated): gnomAD exomes below 0.00001; gnomAD 0.00001; TOPMed 0.00001.
gnomAD v4.1: 13 of 1,614,016 alleles (0.00081%); highest among the groups gnomAD compares: Non-Finnish European, 0.001%; no homozygotes.

Submissions (2):

Ambry Genetics
Classification: Uncertain significance for Inborn genetic diseases. Last evaluated: 2025-08-20. Review status: criteria provided, single submitter. Criteria: Ambry Variant Classification Scheme 2023. Collection method: clinical testing. Allele origin: germline.

Labcorp Genetics (formerly Invitae), Labcorp
Classification: Uncertain significance. Last evaluated: 2021-07-20. Review status: criteria provided, single submitter. Criteria: Invitae Variant Classification Sherloc (09022015). Collection method: clinical testing. Allele origin: germline.
Comment: This sequence change replaces tyrosine with cysteine at codon 49 of the MME protein (p.Tyr49Cys). The tyrosine residue is moderately conserved and there is a large physicochemical difference between tyrosine and cysteine. This variant is not present in population databases (ExAC no frequency). This variant has not been reported in the literature in individuals affected with MME-related conditions. Algorithms developed to predict the effect of missense changes on protein structure and function are either unavailable or do not agree on the potential impact of this missense change (SIFT: "Tolerated"; PolyPhen-2: "Probably Damaging"; Align-GVGD: "Class C0"). In summary, the available evidence is currently insufficient to determine the role of this variant in disease. Therefore, it has been classified as a Variant of Uncertain Significance.

NM_007289.4(MME):c.146A>G (p.Tyr49Cys)

Gene: MME (membrane metalloendopeptidase; plus strand). Cytogenetic location: 3q25.2.
Variant type: single nucleotide variant.
Coding change: c.146A>G on transcript NM_007289.4 (MANE Select); coding-DNA position 146, A replaced by G.
Protein change: p.Tyr49Cys; replaces tyrosine 49 with cysteine.
Molecular consequence: missense variant.
Genome position (GRCh38, 1-based): chr3:155,084,313, A>G. VCF-style: chr3-155084313-A-G. GRCh37 (hg19) VCF-style: chr3-154802102-A-G.
Other names: c.146A>G, p.Tyr49Cys (NM_000902.5, NM_001354642.2, NM_001354643.1 and 3 more transcripts); c.146A>G (NM_007289.2); short protein forms Y49C.
Identifiers: ClinVar variation 1358285 (VCV001358285.9), dbSNP rs946908279, ClinGen allele CA85828054.